The following is an entry in ClinVar:

NM_006767.4(LZTR1):c.805C>A (p.Pro269Thr)

Gene: LZTR1 (leucine zipper like post translational regulator 1; plus strand). Cytogenetic location: 22q11.21.
Variant type: single nucleotide variant.
Coding change: c.805C>A on transcript NM_006767.4 (MANE Select); coding-DNA position 805, C replaced by A.
Protein change: p.Pro269Thr; replaces proline 269 with threonine.
Molecular consequence: missense variant.
Genome position (GRCh38, 1-based): chr22:20,991,641, C>A. VCF-style: chr22-20991641-C-A. GRCh37 (hg19) VCF-style: chr22-21345930-C-A.
Other names: short protein forms P269T.
Identifiers: ClinVar variation 4859370 (VCV004859370.1).

ClinVar aggregate classification (germline): Uncertain significance (1 of 4 stars; one submission).

Conditions:
Cardiovascular phenotype. Identifiers: MedGen CN230736.
Hereditary cancer-predisposing syndrome. Also called: Neoplastic Syndromes, Hereditary; Tumor predisposition; Hereditary Cancer Syndrome; Hereditary neoplastic syndrome. Identifiers: Orphanet 140162, MedGen C0027672, MeSH D009386, MONDO:0015356.

Submission:

Ambry Genetics
Classification: Uncertain significance for Cardiovascular phenotype; Hereditary cancer-predisposing syndrome. Last evaluated: 2026-03-29. Review status: criteria provided, single submitter. Criteria: Ambry Variant Classification Scheme 2023. Collection method: clinical testing. Allele origin: germline.
Comment: The p.P269T variant (also known as c.805C>A), located in coding exon 9 of the LZTR1 gene, results from a C to A substitution at nucleotide position 805. The proline at codon 269 is replaced by threonine, an amino acid with highly similar properties. This amino acid position is conserved. In addition, the in silico prediction for this alteration is inconclusive. Based on the available evidence, the clinical significance of this variant remains unclear.